The following is an entry in ClinVar:

NM_002029.4(FPR1):c.822C>T (p.Gly274=)

Gene: FPR1 (formyl peptide receptor 1; minus strand). Cytogenetic location: 19q13.41.
Variant type: single nucleotide variant.
Coding change: c.822C>T on transcript NM_002029.4 (MANE Select); coding-DNA position 822, C replaced by T.
Protein change: p.Gly274=; no amino-acid change (glycine 274 retained).
Molecular consequence: synonymous variant.
Genome position (GRCh38, 1-based): chr19:51,746,173, G>A on the plus strand (C>T on the coding strand, the complement: FPR1 is on the minus strand). VCF-style: chr19-51746173-G-A. GRCh37 (hg19) VCF-style: chr19-52249426-G-A.
Other names: c.822C>T, p.Gly274= (NM_001193306.2).
Identifiers: ClinVar variation 712949 (VCV000712949.15), dbSNP rs547725110, ClinGen allele CA9616382.

ClinVar aggregate classification (germline): Benign. Review status: criteria provided, multiple submitters, no conflicts (2 of 4 stars). 3 submissions from 3 submitters: Benign (2). 1 of the submissions does not count toward it. Last evaluated 2026-01-25.

Conditions:
FPR1-related disorder. Also called: FPR1-related condition.
Gingival disorder. Also called: Gingival disease. Identifiers: MedGen C0017563, MONDO:0002021.

Allele frequency attached by ClinVar (database versions not stated): gnomAD 0.00022 and 0.00008; ExAC 0.00071; 1000 Genomes Project 30x 0.00078; 1000 Genomes Project 0.00080; TOPMed 0.00009.
gnomAD v4.1: 594 of 1,614,170 alleles (0.037%); highest among the groups gnomAD compares: South Asian, 0.4%; 7 homozygotes.

Submissions (3):

Labcorp Genetics (formerly Invitae), Labcorp
Classification: Benign for Gingival disorder. Last evaluated: 2026-01-25. Review status: criteria provided, single submitter. Criteria: Invitae Variant Classification Sherloc (09022015). Collection method: clinical testing. Allele origin: germline.

Breakthrough Genomics
Classification: Benign. Review status: criteria provided, single submitter. Criteria: ACMG Guidelines, 2015. Collection method: not provided. Allele origin: germline. Inheritance: Unknown mechanism. Affected: yes.

PreventionGenetics, part of Exact Sciences
Classification: Likely benign for FPR1-related condition. Last evaluated: 2022-02-01. Review status: no assertion criteria provided. Collection method: clinical testing. Allele origin: germline. Not counted in ClinVar's aggregate classification.
Comment: This variant is classified as likely benign based on ACMG/AMP sequence variant interpretation guidelines (Richards et al. 2015 PMID: 25741868, with internal and published modifications).